The following is an entry in ClinVar:

NM_001257096.2(PAX1):c.182C>T (p.Ser61Leu)

Gene: PAX1 (paired box 1; plus strand). Cytogenetic location: 20p11.22.
Variant type: single nucleotide variant.
Coding change: c.182C>T on transcript NM_001257096.2 (MANE Select); coding-DNA position 182, C replaced by T.
Protein change: p.Ser61Leu; replaces serine 61 with leucine.
Molecular consequence: missense variant.
Genome position (GRCh38, 1-based): chr20:21,705,894, C>T. VCF-style: chr20-21705894-C-T. GRCh37 (hg19) VCF-style: chr20-21686532-C-T.
Other names: c.182C>T, p.Ser61Leu (NM_006192.5); c.182C>T (NM_006192.3); short protein forms S61L.
Identifiers: ClinVar variation 2792599 (VCV002792599.3), dbSNP rs1984966397, ClinGen allele CA408497022.

ClinVar aggregate classification (germline): Uncertain significance. Review status: criteria provided, multiple submitters, no conflicts (2 of 4 stars). 2 submissions from 2 submitters: Uncertain significance (2). Last evaluated 2025-02-25.

Conditions:
Inborn genetic diseases. Identifiers: MedGen C0950123, MeSH D030342.

Allele frequency attached by ClinVar (database versions not stated): gnomAD 0.00001.

Submissions (2):

Ambry Genetics
Classification: Uncertain significance for Inborn genetic diseases. Last evaluated: 2025-02-25. Review status: criteria provided, single submitter. Criteria: Ambry Variant Classification Scheme 2023. Collection method: clinical testing. Allele origin: germline.

Labcorp Genetics (formerly Invitae), Labcorp
Classification: Uncertain significance. Last evaluated: 2023-05-24. Review status: criteria provided, single submitter. Criteria: Invitae Variant Classification Sherloc (09022015). Collection method: clinical testing. Allele origin: germline.
Comment: This sequence change replaces serine, which is neutral and polar, with leucine, which is neutral and non-polar, at codon 61 of the PAX1 protein (p.Ser61Leu). In summary, the available evidence is currently insufficient to determine the role of this variant in disease. Therefore, it has been classified as a Variant of Uncertain Significance. An algorithm developed to predict the effect of missense changes on protein structure and function (PolyPhen-2) suggests that this variant¬¨‚Ä† is likely to be tolerated. This variant has not been reported in the literature in individuals affected with PAX1-related conditions. This variant is not present in population databases (gnomAD no frequency).